The following is an entry in ClinVar:

ClinVar aggregate classification (germline): Uncertain significance (1 of 4 stars; one submission).

Conditions:
Inborn genetic diseases. Identifiers: MedGen C0950123, MeSH D030342.

Submission:

Ambry Genetics
Classification: Uncertain significance for Inborn genetic diseases. Last evaluated: 2020-09-04. Review status: criteria provided, single submitter. Criteria: Ambry Variant Classification Scheme 2023. Collection method: clinical testing. Allele origin: germline.
Comment: The alteration results in an amino acid change:_x000D_ _x000D_ The c.885A>C (p.E295D) alteration is located in coding exon 9 of the EIF2S3 gene. This alteration results from an A to C substitution at nucleotide position 885, causing the glutamic acid (E) at amino acid position 295 to be replaced by an aspartic acid (D). The alteration is not observed in population databases:_x000D_ _x000D_ Based on data from the Genome Aggregation Database (gnomAD), the EIF2S3 c.885A>C alteration was not observed, with coverage at this position. The altered amino acid is conserved throughout evolution:_x000D_ _x000D_ The p.E295 amino acid is conserved in available vertebrate species. The alteration is predicted inconclusive by in silico modeling:_x000D_ _x000D_ The in silico prediction for the p.E295D alteration is inconclusive. Based on insufficient or conflicting evidence, the clinical significance of this alteration remains unclear.

NM_001415.4(EIF2S3):c.885A>C (p.Glu295Asp)

Gene: EIF2S3 (eukaryotic translation initiation factor 2 subunit gamma; plus strand). Cytogenetic location: Xp22.11.
Variant type: single nucleotide variant.
Coding change: c.885A>C on transcript NM_001415.4 (MANE Select); coding-DNA position 885, A replaced by C.
Protein change: p.Glu295Asp; replaces glutamic acid 295 with aspartic acid.
Molecular consequence: missense variant.
Genome position (GRCh38, 1-based): chrX:24,067,981, A>C. VCF-style: chrX-24067981-A-C. GRCh37 (hg19) VCF-style: chrX-24086098-A-C.
Other names: short protein forms E295D.
Identifiers: ClinVar variation 2227458 (VCV002227458.2), dbSNP rs2518578793, ClinGen allele CA412597350.